The following is an entry in ClinVar:

ClinVar aggregate classification (germline): Pathogenic (1 of 4 stars; one submission).

Conditions:
Polycystic kidney disease, adult type (PKD1). Also called: Polycystic Kidney, Autosomal Dominant; POLYCYSTIC KIDNEY DISEASE 1 WITH OR WITHOUT POLYCYSTIC LIVER DISEASE; POLYCYSTIC KIDNEY DISEASE, ADULT, TYPE I; Polycystic Kidney Disease 1, Autosomal Dominant; Polycystic kidney disease 1; Polycystic kidney disease 1, severe. Identifiers: MedGen C3149841, MONDO:0008263, OMIM 173900.

Submission:

Juno Genomics, Hangzhou Juno Genomics, Inc
Classification: Pathogenic for Polycystic kidney disease, adult type. Review status: criteria provided, single submitter. Criteria: ACMG Guidelines, 2015. Collection method: clinical testing. Allele origin: germline. Affected: yes.
Comment: Absent from controls (or at extremely low frequency if recessive) in Genome Aggregation Database, Exome Sequencing Project, 1000 Genomes Project, or Exome Aggregation Consortium.;Null variant in a gene where loss of function (LOF) is a known mechanism of disease.;Patient's phenotype or family history is highly specific for a disease with a single genetic etiology.

NM_001009944.3(PKD1):c.12273G>A (p.Trp4091Ter)

Gene: PKD1 (polycystin 1, transient receptor potential channel interacting; minus strand). Cytogenetic location: 16p13.3.
Variant type: single nucleotide variant.
Coding change: c.12273G>A on transcript NM_001009944.3 (MANE Select); coding-DNA position 12273, G replaced by A.
Protein change: p.Trp4091Ter; replaces tryptophan 4091 with a stop codon.
Molecular consequence: nonsense.
Genome position (GRCh38, 1-based): chr16:2,090,456, C>T on the plus strand (G>A on the coding strand, the complement: PKD1 is on the minus strand). VCF-style: chr16-2090456-C-T. GRCh37 (hg19) VCF-style: chr16-2140457-C-T.
Other names: c.12270G>A, p.Trp4090Ter (NM_000296.4); short protein forms W4090*, W4091*.
Identifiers: ClinVar variation 3335851 (VCV003335851.2).